The following is an entry in ClinVar:

NM_001999.4(FBN2):c.42G>T (p.Leu14=)

Gene: FBN2 (fibrillin 2; minus strand). Cytogenetic location: 5q23.3.
Variant type: single nucleotide variant.
Coding change: c.42G>T on transcript NM_001999.4 (MANE Select); coding-DNA position 42, G replaced by T.
Protein change: p.Leu14=; no amino-acid change (leucine 14 retained).
Molecular consequence: synonymous variant.
Genome position (GRCh38, 1-based): chr5:128,537,562, C>A on the plus strand (G>T on the coding strand, the complement: FBN2 is on the minus strand). VCF-style: chr5-128537562-C-A. GRCh37 (hg19) VCF-style: chr5-127873255-C-A.
Identifiers: ClinVar variation 528434 (VCV000528434.11), dbSNP rs376407285, ClinGen allele CA3396241.

ClinVar aggregate classification (germline): Likely benign. Review status: criteria provided, multiple submitters, no conflicts (2 of 4 stars). 3 submissions from 3 submitters: Likely benign (3). Last evaluated 2025-06-10.

Conditions:
Familial thoracic aortic aneurysm and aortic dissection (TAAD). Also called: Thoracic aortic aneurysms and dissections. Identifiers: Orphanet 91387, MedGen C4707243, MONDO:0019625.
Congenital contractural arachnodactyly (CCA). Also called: Beals-Hecht syndrome; BEALS SYNDROME; Arthrogryposis, distal, type 9. Identifiers: Orphanet 115, MedGen C0220668, MONDO:0007363, OMIM 121050.

Allele frequency attached by ClinVar (database versions not stated): gnomAD exomes below 0.00001; gnomAD 0.00001; TOPMed 0.00001; ExAC 0.00002; ESP Exome Variant Server 0.00008.
gnomAD v4.1: 7 of 1,604,188 alleles (0.00044%); highest among the groups gnomAD compares: Admixed American, 0.01%; no homozygotes.

Submissions (3):

Ambry Genetics
Classification: Likely benign for Familial thoracic aortic aneurysm and aortic dissection. Last evaluated: 2025-06-10. Review status: criteria provided, single submitter. Criteria: Ambry Variant Classification Scheme 2023. Collection method: clinical testing. Allele origin: germline.

Labcorp Genetics (formerly Invitae), Labcorp
Classification: Likely benign for Congenital contractural arachnodactyly. Last evaluated: 2025-01-15. Review status: criteria provided, single submitter. Criteria: Invitae Variant Classification Sherloc (09022015). Collection method: clinical testing. Allele origin: germline.

GeneDx
Classification: Likely benign. Last evaluated: 2018-03-26. Review status: criteria provided, single submitter. Criteria: GeneDx Variant Classification (06012015). Collection method: clinical testing. Allele origin: germline. Affected: yes.
Comment: This variant is considered likely benign or benign based on one or more of the following criteria: it is a conservative change, it occurs at a poorly conserved position in the protein, it is predicted to be benign by multiple in silico algorithms, and/or has population frequency not consistent with disease.